The following is an entry in ClinVar:

NM_020821.3(VPS13C):c.9526C>T (p.Arg3176Cys)

Gene: VPS13C (vacuolar protein sorting 13 homolog C; minus strand). Cytogenetic location: 15q22.2.
Variant type: single nucleotide variant.
Coding change: c.9526C>T on transcript NM_020821.3 (MANE Select); coding-DNA position 9526, C replaced by T.
Protein change: p.Arg3176Cys; replaces arginine 3176 with cysteine.
Molecular consequence: missense variant.
Genome position (GRCh38, 1-based): chr15:61,882,694, G>A on the plus strand (C>T on the coding strand, the complement: VPS13C is on the minus strand). VCF-style: chr15-61882694-G-A. GRCh37 (hg19) VCF-style: chr15-62174893-G-A.
Other names: c.9526C>T, p.Arg3176Cys (NM_001018088.3); c.9397C>T, p.Arg3133Cys (NM_017684.5, NM_018080.4); short protein forms R3176C, R3133C.
Identifiers: ClinVar variation 1434163 (VCV001434163.3), dbSNP rs115741196, ClinGen allele CA7594620.
Genomic context (GRCh38, chr15:61,882,694, plus strand): 5'-GAGAAGACTGCTTAAATTCAATCTGAATTCCTGATAAAAAGTCTCGTTTAATAGGGCTAC[G>A]AATAGGGAGGCGCATTTCCATTGGATCTTTATCAAAATTGACCTAGAAAAAAAGCACATG-3'
Protein context (NP_065872.1, residues 3166-3186): KDPMEMRLPI[Arg3176Cys]SPIKRDFLSG

ClinVar aggregate classification (germline): Uncertain significance (1 of 4 stars; one submission).

Allele frequency attached by ClinVar (database versions not stated): 1000 Genomes Project 30x 0.00031; 1000 Genomes Project 0.00040.
gnomAD v4.1: 145 of 1,594,870 alleles (0.0091%); highest among the groups gnomAD compares: Middle Eastern, 0.033%; no homozygotes.

Submission:

Labcorp Genetics (formerly Invitae), Labcorp
Classification: Uncertain significance. Last evaluated: 2021-09-21. Review status: criteria provided, single submitter. Criteria: Invitae Variant Classification Sherloc (09022015). Collection method: clinical testing. Allele origin: germline.
Comment: This sequence change replaces arginine with cysteine at codon 3176 of the VPS13C protein (p.Arg3176Cys). The arginine residue is weakly conserved and there is a large physicochemical difference between arginine and cysteine. This variant is present in population databases (rs115741196, ExAC 0.04%). This variant has not been reported in the literature in individuals affected with VPS13C-related conditions. Algorithms developed to predict the effect of missense changes on protein structure and function are either unavailable or do not agree on the potential impact of this missense change (SIFT: "Deleterious"; PolyPhen-2: "Benign"; Align-GVGD: "Class C15"). In summary, the available evidence is currently insufficient to determine the role of this variant in disease. Therefore, it has been classified as a Variant of Uncertain Significance.